The following is an entry in ClinVar:

NM_015178.3(RHOBTB2):c.1787C>A (p.Thr596Asn)

Gene: RHOBTB2 (Rho related BTB domain containing 2; plus strand). Cytogenetic location: 8p21.3.
Variant type: single nucleotide variant.
Coding change: c.1787C>A on transcript NM_015178.3 (MANE Select); coding-DNA position 1787, C replaced by A.
Protein change: p.Thr596Asn; replaces threonine 596 with asparagine.
Molecular consequence: missense variant.
Genome position (GRCh38, 1-based): chr8:23,014,705, C>A. VCF-style: chr8-23014705-C-A. GRCh37 (hg19) VCF-style: chr8-22872218-C-A.
Other names: c.1853C>A, p.Thr618Asn (NM_001160036.2); c.1808C>A, p.Thr603Asn (NM_001160037.2); c.1787C>A, p.Thr596Asn (NM_001374791.1); short protein forms T596N, T603N, T618N.
Identifiers: ClinVar variation 2093265 (VCV002093265.4), dbSNP rs2487046527, ClinGen allele CA370574100.

ClinVar aggregate classification (germline): Uncertain significance (1 of 4 stars; one submission).

Submission:

Labcorp Genetics (formerly Invitae), Labcorp
Classification: Uncertain significance. Last evaluated: 2022-02-04. Review status: criteria provided, single submitter. Criteria: Invitae Variant Classification Sherloc (09022015). Collection method: clinical testing. Allele origin: germline.
Comment: In summary, the available evidence is currently insufficient to determine the role of this variant in disease. Therefore, it has been classified as a Variant of Uncertain Significance. Algorithms developed to predict the effect of missense changes on protein structure and function (SIFT, PolyPhen-2, Align-GVGD) all suggest that this variant is likely to be tolerated. This variant has not been reported in the literature in individuals affected with RHOBTB2-related conditions. This variant is not present in population databases (gnomAD no frequency). This sequence change replaces threonine, which is neutral and polar, with asparagine, which is neutral and polar, at codon 618 of the RHOBTB2 protein (p.Thr618Asn).